The following is an entry in ClinVar:

NM_152618.3(BBS12):c.2126T>G (p.Phe709Cys)

Gene: BBS12 (Bardet-Biedl syndrome 12; plus strand). Cytogenetic location: 4q27.
Variant type: single nucleotide variant.
Coding change: c.2126T>G on transcript NM_152618.3 (MANE Select); coding-DNA position 2126, T replaced by G.
Protein change: p.Phe709Cys; replaces phenylalanine 709 with cysteine.
Molecular consequence: missense variant.
Genome position (GRCh38, 1-based): chr4:122,744,018, T>G. VCF-style: chr4-122744018-T-G. GRCh37 (hg19) VCF-style: chr4-123665173-T-G.
Other names: c.2126T>G, p.Phe709Cys (NM_001178007.2); short protein forms F709C.
Identifiers: ClinVar variation 2052811 (VCV002052811.1), dbSNP rs1800946249, ClinGen allele CA358226619.

ClinVar aggregate classification (germline): Uncertain significance (1 of 4 stars; one submission).

Conditions:
Bardet-Biedl syndrome (BBS). Identifiers: Orphanet 110, MedGen C0752166, MONDO:0015229.

Allele frequency attached by ClinVar (database versions not stated): gnomAD exomes below 0.00001; TOPMed below 0.00001.
gnomAD v4.1: 1 of 1,612,750 alleles (0.000062%); highest among the groups gnomAD compares: Non-Finnish European, 0.000085%; no homozygotes.

Submission:

Labcorp Genetics (formerly Invitae), Labcorp
Classification: Uncertain significance for Bardet-Biedl syndrome. Last evaluated: 2022-07-19. Review status: criteria provided, single submitter. Criteria: Invitae Variant Classification Sherloc (09022015). Collection method: clinical testing. Allele origin: germline.
Comment: This sequence change replaces phenylalanine, which is neutral and non-polar, with cysteine, which is neutral and slightly polar, at codon 709 of the BBS12 protein (p.Phe709Cys). This variant is not present in population databases (gnomAD no frequency). This variant has not been reported in the literature in individuals affected with BBS12-related conditions. Algorithms developed to predict the effect of missense changes on protein structure and function are either unavailable or do not agree on the potential impact of this missense change (SIFT: "Deleterious"; PolyPhen-2: "Possibly Damaging"; Align-GVGD: "Class C0"). In summary, the available evidence is currently insufficient to determine the role of this variant in disease. Therefore, it has been classified as a Variant of Uncertain Significance.